The following is an entry in ClinVar:

ClinVar aggregate classification (germline): Likely benign (0 of 4 stars; one submission).

Conditions:
ZBTB40-related disorder. Also called: ZBTB40-related condition.

Allele frequency attached by ClinVar (database versions not stated): gnomAD exomes 0.00005; TOPMed 0.00005; ExAC 0.00006; gnomAD 0.00010; ESP Exome Variant Server 0.00015.
gnomAD v4.1: 84 of 1,614,038 alleles (0.0052%); highest among the groups gnomAD compares: Non-Finnish European, 0.0069%; no homozygotes.

Submission:

PreventionGenetics, part of Exact Sciences
Classification: Likely benign for ZBTB40-related condition. Last evaluated: 2019-08-12. Review status: no assertion criteria provided. Collection method: clinical testing. Allele origin: germline.
Comment: This variant is classified as likely benign based on ACMG/AMP sequence variant interpretation guidelines (Richards et al. 2015 PMID: 25741868, with internal and published modifications).

NM_014870.4(ZBTB40):c.3299-3C>T

Gene: ZBTB40 (zinc finger and BTB domain containing 40; plus strand). Cytogenetic location: 1p36.12.
Variant type: single nucleotide variant.
Coding change: c.3299-3C>T on transcript NM_014870.4 (MANE Select); 3 bases into the intron before coding-DNA position 3299, C replaced by T.
Molecular consequence: intron variant.
Genome position (GRCh38, 1-based): chr1:22,524,215, C>T. VCF-style: chr1-22524215-C-T. GRCh37 (hg19) VCF-style: chr1-22850708-C-T.
Other names: c.3299-3C>T (NM_001083621.2); c.2963-3C>T (NM_001330398.2).
Identifiers: ClinVar variation 3035325 (VCV003035325.2), dbSNP rs374357053, ClinGen allele CA676396.
Genomic context (GRCh38, chr1:22,524,215, plus strand): 5'-TTCTCTCATTTTACCCAGAGAATTTTACCCACAGCCCTCCCCTTCTGTCTCCCTCTCCTC[C>T]AGGGTCCCAGCCATTCCGGTGCTTGTACTGTGCTGCTACTTTCCGTTTTCCTGGAGCATT-3'